The following is an entry in ClinVar:

ClinVar aggregate classification (germline): Uncertain significance (1 of 4 stars; one submission).

Conditions:
Hereditary cancer-predisposing syndrome. Also called: Hereditary Cancer Syndrome; Hereditary neoplastic syndrome; Tumor predisposition; Neoplastic Syndromes, Hereditary. Identifiers: Orphanet 140162, MedGen C0027672, MeSH D009386, MONDO:0015356.

Submission:

Ambry Genetics
Classification: Uncertain significance for Hereditary cancer-predisposing syndrome. Last evaluated: 2024-09-26. Review status: criteria provided, single submitter. Criteria: Ambry Variant Classification Scheme 2023. Collection method: clinical testing. Allele origin: germline.
Comment: The p.K913R variant (also known as c.2738A>G), located in coding exon 20 of the KIT gene, results from an A to G substitution at nucleotide position 2738. The lysine at codon 913 is replaced by arginine, an amino acid with highly similar properties. This amino acid position is conserved. In addition, this alteration is predicted to be tolerated by in silico analysis. Based on the available evidence, the clinical significance of this variant remains unclear.

NM_000222.3(KIT):c.2738A>G (p.Lys913Arg)

Gene: KIT (KIT proto-oncogene, receptor tyrosine kinase; plus strand). Cytogenetic location: 4q12.
Variant type: single nucleotide variant.
Coding change: c.2738A>G on transcript NM_000222.3 (MANE Select); coding-DNA position 2738, A replaced by G.
Protein change: p.Lys913Arg; replaces lysine 913 with arginine.
Molecular consequence: missense variant.
Genome position (GRCh38, 1-based): chr4:54,737,216, A>G. VCF-style: chr4-54737216-A-G. GRCh37 (hg19) VCF-style: chr4-55603382-A-G.
Other names: c.2726A>G, p.Lys909Arg (NM_001093772.2, NM_001385292.1); c.2741A>G, p.Lys914Arg (NM_001385284.1); c.2735A>G, p.Lys912Arg (NM_001385285.1); c.2723A>G, p.Lys908Arg (NM_001385286.1); c.2729A>G, p.Lys910Arg (NM_001385288.1); c.2738A>G, p.Lys913Arg (NM_001385290.1); short protein forms K912R, K910R, K908R, K909R, K914R, K913R.
Identifiers: ClinVar variation 3534715 (VCV003534715.1).